The following is an entry in ClinVar:

NM_007194.4(CHEK2):c.64del (p.His22fs)

Gene: CHEK2 (checkpoint kinase 2; minus strand). Cytogenetic location: 22q12.1.
Variant type: Deletion.
Coding change: c.64del on transcript NM_007194.4 (MANE Select); coding-DNA position 64, one base deleted (C; older notation c.64delC).
Protein change: p.His22fs; shifts the reading frame from histidine 22.
Molecular consequence: frameshift variant.
Genome position (GRCh38, 1-based): chr22:28,734,658, G deleted on the plus strand (C on the coding strand, the reverse complement: CHEK2 is on the minus strand); the first of 4 consecutive G bases (chr22:28,734,658-28,734,661); deleting any one gives the same sequence. VCF-style (leftmost placement, unchanged base first): chr22-28734657-TG-T. GRCh37 (hg19) VCF-style: chr22-29130645-TG-T.
Other names: c.61delC, p.His22Metfs (NM_001005735.3, NM_001349956.3, NM_145862.3); c.-717delC (NM_001257387.3); c.64delC (NM_007194.3); short protein forms H22fs.
Identifiers: ClinVar variation 954601 (VCV000954601.12), dbSNP rs2054335480, ClinGen allele CA1139667002.
Genomic context (GRCh38, chr22:28,734,657, plus strand): 5'-GAGGAGCTGGATATGCCCTGGGACTGTGAGGAGGAGCCTTGGGACTGGGTAACGCTGCCA[TG>T]GGGCTGTGAACAGGCACTGCTGCCATGAGACTGCTGAGCCTCAACATCCGACTCCCGAGA-3'

ClinVar aggregate classification (germline): Pathogenic. Review status: criteria provided, multiple submitters, no conflicts (2 of 4 stars). 3 submissions from 3 submitters: Pathogenic (3). Last evaluated 2024-07-10.

Conditions:
Hereditary cancer-predisposing syndrome. Also called: Hereditary neoplastic syndrome; Tumor predisposition; Neoplastic Syndromes, Hereditary; Hereditary Cancer Syndrome. Identifiers: Orphanet 140162, MedGen C0027672, MeSH D009386, MONDO:0015356.
Familial cancer of breast. Also called: hereditary breast carcinoma; Hereditary breast cancer; BREAST CANCER, FAMILIAL. Identifiers: Orphanet 227535, MedGen C0346153, MONDO:0016419, OMIM 114480. Disease mechanism: loss of function.

Submissions (3):

Myriad Genetics, Inc.
Classification: Pathogenic for Familial cancer of breast. Last evaluated: 2024-07-10. Review status: criteria provided, single submitter. Criteria: Myriad Autosomal Dominant, Autosomal Recessive and X-Linked Classification Criteria (2023). Collection method: clinical testing. Allele origin: unknown.
Comment: This variant is considered pathogenic. This variant creates a frameshift predicted to result in premature protein truncation.

Ambry Genetics
Classification: Pathogenic for Hereditary cancer-predisposing syndrome. Last evaluated: 2021-06-18. Review status: criteria provided, single submitter. Criteria: Ambry Variant Classification Scheme 2023. Collection method: clinical testing. Allele origin: germline.
Comment: The c.64delC pathogenic mutation, located in coding exon 1 of the CHEK2 gene, results from a deletion of one nucleotide at nucleotide position 64, causing a translational frameshift with a predicted alternate stop codon (p.H22Mfs*39). This alteration is expected to result in loss of function by premature protein truncation or nonsense-mediated mRNA decay. As such, this alteration is interpreted as a disease-causing mutation.

Labcorp Genetics (formerly Invitae), Labcorp
Classification: Pathogenic for Familial cancer of breast. Last evaluated: 2019-08-17. Review status: criteria provided, single submitter. Criteria: Invitae Variant Classification Sherloc (09022015). Collection method: clinical testing. Allele origin: germline.
Comment: This sequence change creates a premature translational stop signal (p.His22Metfs*39) in the CHEK2 gene. It is expected to result in an absent or disrupted protein product. This variant is not present in population databases (ExAC no frequency). This variant has not been reported in the literature in individuals with CHEK2-related conditions. Loss-of-function variants in CHEK2 are known to be pathogenic (PMID: 21876083, 24713400). For these reasons, this variant has been classified as Pathogenic.

Literature cited by the submitters: PubMed 21876083 (cited by Labcorp Genetics (formerly Invitae), Labcorp); PubMed 24713400 (cited by Labcorp Genetics (formerly Invitae), Labcorp).